The following is an entry in ClinVar:

ClinVar aggregate classification (germline): Uncertain significance (1 of 4 stars; one submission).

Conditions:
Pitt-Hopkins-like syndrome 2 (PTHSL2). Identifiers: Orphanet 221150, Orphanet 600663, MedGen C3280479, MONDO:0013690, OMIM 614325.

Allele frequency attached by ClinVar (database versions not stated): ExAC 0.00001; gnomAD exomes 0.00001.
gnomAD v4.1: 3 of 1,599,536 alleles (0.00019%); highest among the groups gnomAD compares: Non-Finnish European, 0.00026%; no homozygotes.

Submission:

Labcorp Genetics (formerly Invitae), Labcorp
Classification: Uncertain significance for Pitt-Hopkins-like syndrome 2. Last evaluated: 2025-08-25. Review status: criteria provided, single submitter. Criteria: Invitae Variant Classification Sherloc (09022015). Collection method: clinical testing. Allele origin: germline.
Comment: This sequence change replaces glycine, which is neutral and non-polar, with serine, which is neutral and polar, at codon 664 of the NRXN1 protein (p.Gly664Ser). This variant is present in population databases (rs751084590, gnomAD 0.0009%). This variant has not been reported in the literature in individuals affected with NRXN1-related conditions. ClinVar contains an entry for this variant (Variation ID: 2887111). An algorithm developed to predict the effect of missense changes on protein structure and function (PolyPhen-2) suggests that this variant is likely to be tolerated. In summary, the available evidence is currently insufficient to determine the role of this variant in disease. Therefore, it has been classified as a Variant of Uncertain Significance.

NM_001330078.2(NRXN1):c.1870G>A (p.Gly624Ser)

Gene: NRXN1 (neurexin 1; minus strand). Cytogenetic location: 2p16.3.
Variant type: single nucleotide variant.
Coding change: c.1870G>A on transcript NM_001330078.2 (MANE Select); coding-DNA position 1870, G replaced by A.
Protein change: p.Gly624Ser; replaces glycine 624 with serine.
Molecular consequence: missense variant.
Genome position (GRCh38, 1-based): chr2:50,538,526, C>T on the plus strand (G>A on the coding strand, the complement: NRXN1 is on the minus strand). VCF-style: chr2-50538526-C-T. GRCh37 (hg19) VCF-style: chr2-50765664-C-T.
Other names: c.1846G>A, p.Gly616Ser (NM_001330082.2, NM_001330095.2, NM_001330077.2); c.1831G>A, p.Gly611Ser (NM_001330083.2, NM_001330084.2); c.1870G>A, p.Gly624Ser (NM_001330085.2, NM_001330086.2, NM_004801.6); c.1786G>A, p.Gly596Ser (NM_001330087.2, NM_001330096.2); c.1816G>A, p.Gly606Ser (NM_001330088.2); c.1867G>A, p.Gly623Ser (NM_001330093.2); c.1858G>A, p.Gly620Ser (NM_001330094.2); c.1990G>A, p.Gly664Ser (NM_001135659.3); short protein forms G616S, G664S, G620S, G623S, G606S, G611S, G624S, G596S.
Identifiers: ClinVar variation 2887111 (VCV002887111.3), dbSNP rs751084590, ClinGen allele CA1654963.
Genomic context (GRCh38, chr2:50,538,526, plus strand): 5'-TGCAGCCCACGTAGCCATAGTTGAGCAGAGCAGTCCACACCTCGGTGGGGAAGACAAGGC[C>T]AGCTTTATTTTCTGGCAGCCCCCCCAGGTACAACTCATCATCCAGGTCCAGAATCTCACT-3'
Protein context (NP_001317007.1, residues 614-634): YLGGLPENKA[Gly624Ser]LVFPTEVWTA